The following is an entry in ClinVar:

NM_015570.4(AUTS2):c.109_123del (p.Gly37_Gly41del)

Genes: AUTS2 (activator of transcription and developmental regulator AUTS2; plus strand), LOC129998550 (ATAC-STARR-seq lymphoblastoid silent region 18224; plus strand). Cytogenetic location: 7q11.22.
Variant type: Deletion.
Coding change: c.109_123del on transcript NM_015570.4 (MANE Select); coding-DNA positions 109 to 123, 15 bases deleted (GGCGGCGGGGCTGGC).
Protein change: p.Gly37_Gly41del.
Molecular consequence: inframe deletion.
Genome position (GRCh38, 1-based): chr7:69,599,762-69,599,776, GGCGGCGGGGCTGGC deleted; deleting any 15 consecutive bases within chr7:69,599,759-69,599,776 gives the same sequence; the c. name uses the placement nearest the transcript's 3' end. VCF-style (leftmost placement, unchanged base first): chr7-69599758-CGGCGGCGGCGGGGCT-C. GRCh37 (hg19) VCF-style: chr7-69064744-CGGCGGCGGCGGGGCT-C.
Other names: c.109_123del, p.Gly37_Gly41del (NM_001127231.3, NM_001127232.3).
Identifiers: ClinVar variation 5009782 (VCV005009782.1).
Genomic context (GRCh38, chr7:69,599,758, plus strand): 5'-GTCGCGGTCGCAGCGAGACCGGGAGAGGCGCTCCCGGGGCGGGCTGGGGGCCGGCGCGGC[CGGCGGCGGCGGGGCT>C]GGCCGGACCCGGGCGCTCTCACTCGCCTCGTCGTCGGGCTCCGACAAGGAAGACAATGGG-3'

ClinVar aggregate classification (germline): Uncertain significance (1 of 4 stars; one submission).

Submission:

GeneDx
Classification: Uncertain significance. Last evaluated: 2026-02-18. Review status: criteria provided, single submitter. Criteria: GeneDx Variant Classification Process June 2021. Collection method: clinical testing. Allele origin: germline.
Comment: In-frame deletion of 5 amino acid(s) in a non-repeat region; In silico analysis suggests that this variant does not alter protein structure/function; Has not been previously published as pathogenic or benign to our knowledge